The following is an entry in ClinVar:

NM_001278624.2(NFXL1):c.450T>A (p.Asn150Lys)

Gene: NFXL1 (nuclear transcription factor, X-box binding like 1; minus strand). Cytogenetic location: 4p12.
Variant type: single nucleotide variant.
Coding change: c.450T>A on transcript NM_001278624.2 (MANE Select); coding-DNA position 450, T replaced by A.
Protein change: p.Asn150Lys; replaces asparagine 150 with lysine.
Molecular consequence: missense variant. On other transcripts: non-coding transcript variant (1).
Genome position (GRCh38, 1-based): chr4:47,905,303, A>T on the plus strand (T>A on the coding strand, the complement: NFXL1 is on the minus strand). VCF-style: chr4-47905303-A-T. GRCh37 (hg19) VCF-style: chr4-47907320-A-T.
Other names: c.450T>A, p.Asn150Lys (NM_001278623.1, NM_152995.6); short protein forms N150K.
Identifiers: ClinVar variation 3039460 (VCV003039460.2), dbSNP rs144169475, ClinGen allele CA2910860.

ClinVar aggregate classification (germline): Benign (0 of 4 stars; one submission).

Conditions:
NFXL1-related disorder. Also called: NFXL1-related condition.

Allele frequency attached by ClinVar (database versions not stated): ESP Exome Variant Server 0.00031; gnomAD exomes 0.00157; gnomAD 0.00351; 1000 Genomes Project 0.00459; 1000 Genomes Project 30x 0.00484; ExAC 0.00490; TOPMed 0.00570.
gnomAD v4.1: 2,787 of 1,602,574 alleles (0.17%); highest among the groups gnomAD compares: Admixed American, 4.4%; 83 homozygotes.

Submission:

PreventionGenetics, part of Exact Sciences
Classification: Benign for NFXL1-related condition. Last evaluated: 2019-05-28. Review status: no assertion criteria provided. Collection method: clinical testing. Allele origin: germline.
Comment: This variant is classified as benign based on ACMG/AMP sequence variant interpretation guidelines (Richards et al. 2015 PMID: 25741868, with internal and published modifications).